The following is an entry in ClinVar:

NM_000257.4(MYH7):c.2396T>A (p.Met799Lys)

Genes: MYH7 (myosin heavy chain 7; minus strand), LOC126861898 (BRD4-independent group 4 enhancer GRCh37_chr14:23893609-23894808; plus strand). Cytogenetic location: 14q11.2.
Variant type: single nucleotide variant.
Coding change: c.2396T>A on transcript NM_000257.4 (MANE Select); coding-DNA position 2396, T replaced by A.
Protein change: p.Met799Lys; replaces methionine 799 with lysine.
Molecular consequence: missense variant.
Genome position (GRCh38, 1-based): chr14:23,425,309, A>T on the plus strand (T>A on the coding strand, the complement: MYH7 is on the minus strand). VCF-style: chr14-23425309-A-T. GRCh37 (hg19) VCF-style: chr14-23894518-A-T.
Other names: c.2396T>A, p.Met799Lys (NM_001407004.1); short protein forms M799K.
Identifiers: ClinVar variation 4854369 (VCV004854369.1).

ClinVar aggregate classification (germline): Uncertain significance (1 of 4 stars; one submission).

Conditions:
Hypertrophic cardiomyopathy 1 (CMH1). Also called: Familial hypertrophic cardiomyopathy 1; MYH7-Related Familial Hypertrophic Cardiomyopathy. Identifiers: MedGen C3495498, MONDO:0008647, OMIM 192600.

Submission:

3billion
Classification: Uncertain significance for Hypertrophic cardiomyopathy 1. Last evaluated: 2025-10-27. Review status: criteria provided, single submitter. Criteria: ACMG Guidelines, 2015. Collection method: clinical testing. Allele origin: germline. Affected: yes.
Comment: The variant is not observed in the gnomAD v4.1.0 dataset. Predicted Consequence/Location: The variant is located in a mutational hot spot and/or well-established functional domain in which established pathogenic variants have been reported (PMID: 29300372). Therefore, this variant is classified as VUS according to the recommendation of ACMG/AMP guideline.